The following is an entry in ClinVar:

NM_003924.4(PHOX2B):c.538A>T (p.Arg180Trp)

Gene: PHOX2B (paired like homeobox 2B; minus strand). Cytogenetic location: 4p13.
Variant type: single nucleotide variant.
Coding change: c.538A>T on transcript NM_003924.4 (MANE Select); coding-DNA position 538, A replaced by T.
Protein change: p.Arg180Trp; replaces arginine 180 with tryptophan.
Molecular consequence: missense variant.
Genome position (GRCh38, 1-based): chr4:41,746,214, T>A on the plus strand (A>T on the coding strand, the complement: PHOX2B is on the minus strand). VCF-style: chr4-41746214-T-A. GRCh37 (hg19) VCF-style: chr4-41748231-T-A.
Other names: short protein forms R180W.
Identifiers: ClinVar variation 2201198 (VCV002201198.5), dbSNP rs2552096885, ClinGen allele CA356738271.

ClinVar aggregate classification (germline): Uncertain significance. Review status: criteria provided, multiple submitters, no conflicts (2 of 4 stars). 2 submissions from 2 submitters: Uncertain significance (2). Last evaluated 2025-05-19.

Conditions:
Haddad syndrome (OHD). Also called: Ondine-Hirschsprung disease. Identifiers: Orphanet 99803, MedGen C1859049, MONDO:0020493.
Hereditary cancer-predisposing syndrome. Also called: Tumor predisposition; Hereditary neoplastic syndrome; Neoplastic Syndromes, Hereditary; Hereditary Cancer Syndrome. Identifiers: Orphanet 140162, MedGen C0027672, MeSH D009386, MONDO:0015356.

Submissions (2):

Ambry Genetics
Classification: Uncertain significance for Hereditary cancer-predisposing syndrome. Last evaluated: 2025-05-19. Review status: criteria provided, single submitter. Criteria: Ambry Variant Classification Scheme 2023. Collection method: clinical testing. Allele origin: germline.
Comment: The p.R180W variant (also known as c.538A>T), located in coding exon 3 of the PHOX2B gene, results from an A to T substitution at nucleotide position 538. The arginine at codon 180 is replaced by tryptophan, an amino acid with dissimilar properties. This amino acid position is conserved. In addition, this alteration is predicted to be tolerated by in silico analysis. Based on the available evidence, the clinical significance of this variant remains unclear.

Labcorp Genetics (formerly Invitae), Labcorp
Classification: Uncertain significance for Haddad syndrome. Last evaluated: 2024-07-08. Review status: criteria provided, single submitter. Criteria: Invitae Variant Classification Sherloc (09022015). Collection method: clinical testing. Allele origin: germline.
Comment: This sequence change replaces arginine, which is basic and polar, with tryptophan, which is neutral and slightly polar, at codon 180 of the PHOX2B protein (p.Arg180Trp). This variant is not present in population databases (gnomAD no frequency). This variant has not been reported in the literature in individuals affected with PHOX2B-related conditions. ClinVar contains an entry for this variant (Variation ID: 2201198). Advanced modeling of protein sequence and biophysical properties (such as structural, functional, and spatial information, amino acid conservation, physicochemical variation, residue mobility, and thermodynamic stability) performed at Invitae indicates that this missense variant is not expected to disrupt PHOX2B protein function with a negative predictive value of 80%. In summary, the available evidence is currently insufficient to determine the role of this variant in disease. Therefore, it has been classified as a Variant of Uncertain Significance.